The following is an entry in ClinVar:

ClinVar aggregate classification (germline): Pathogenic (1 of 4 stars; one submission).

Conditions:
Nemaline myopathy 2 (NEM2). Also called: Nemaline myopathy 2, autosomal recessive. Identifiers: MedGen C1850569, MONDO:0009725, OMIM 256030.

Submission:

Labcorp Genetics (formerly Invitae), Labcorp
Classification: Pathogenic for Nemaline myopathy 2. Last evaluated: 2023-02-08. Review status: criteria provided, single submitter. Criteria: Invitae Variant Classification Sherloc (09022015). Collection method: clinical testing. Allele origin: germline.
Comment: This sequence change creates a premature translational stop signal (p.Trp5976*) in the NEB gene. It is expected to result in an absent or disrupted protein product. Loss-of-function variants in NEB are known to be pathogenic (PMID: 25205138). This variant is not present in population databases (gnomAD no frequency). This variant has not been reported in the literature in individuals affected with NEB-related conditions. For these reasons, this variant has been classified as Pathogenic.

Literature cited by the submitters: PubMed 25205138.

NM_001164508.2(NEB):c.17928G>A (p.Trp5976Ter)

Gene: NEB (nebulin; minus strand). Cytogenetic location: 2q23.3.
Variant type: single nucleotide variant.
Coding change: c.17928G>A on transcript NM_001164508.2 (MANE Select); coding-DNA position 17928, G replaced by A.
Protein change: p.Trp5976Ter; replaces tryptophan 5976 with a stop codon.
Molecular consequence: nonsense.
Genome position (GRCh38, 1-based): chr2:151,567,396, C>T on the plus strand (G>A on the coding strand, the complement: NEB is on the minus strand). VCF-style: chr2-151567396-C-T. GRCh37 (hg19) VCF-style: chr2-152423910-C-T.
Other names: c.17928G>A, p.Trp5976Ter (NM_001164507.2, NM_001271208.2); c.12825G>A, p.Trp4275Ter (NM_004543.5); short protein forms W4275*, W5976*.
Identifiers: ClinVar variation 2835269 (VCV002835269.3), dbSNP rs1577892185, ClinGen allele CA348803854.